The following is an entry in ClinVar:

NM_001122769.3(LCA5):c.439C>T (p.Leu147=)

Gene: LCA5 (lebercilin LCA5; minus strand). Cytogenetic location: 6q14.1.
Variant type: single nucleotide variant.
Coding change: c.439C>T on transcript NM_001122769.3 (MANE Select); coding-DNA position 439, C replaced by T.
Protein change: p.Leu147=; no amino-acid change (leucine 147 retained).
Molecular consequence: synonymous variant.
Genome position (GRCh38, 1-based): chr6:79,513,493, G>A on the plus strand (C>T on the coding strand, the complement: LCA5 is on the minus strand). VCF-style: chr6-79513493-G-A. GRCh37 (hg19) VCF-style: chr6-80223210-G-A.
Other names: c.439C>T (NM_181714.3); c.439C>T, p.Leu147= (NM_181714.4).
Identifiers: ClinVar variation 992178 (VCV000992178.10), dbSNP rs141291555, ClinGen allele CA3901122.
Genomic context (GRCh38, chr6:79,513,493, plus strand): 5'-CATTGTTATGACGAAATATAAGTTGTGAGATTTCATTTTCGGCATCTTCAAACTTATTCA[G>A]GGCTTTCTCCTGTCTGTACTGAAGCCTTTTCAAAGATTTATTTTCTTTTAGCAGCTCAGC-3'
Protein context (NP_001116241.1, residues 137-157): KRLQYRQEKA[Leu147=]NKFEDAENEI

ClinVar aggregate classification (germline): Likely benign. Review status: criteria provided, multiple submitters, no conflicts (2 of 4 stars). 3 submissions from 3 submitters: Likely benign (2). 1 of the submissions does not count toward it. Last evaluated 2026-08-28.

Conditions:
Leber congenital amaurosis (LCA). Also called: Leber's amaurosis. Identifiers: Orphanet 65, MedGen C0339527, MeSH D057130, MONDO:0018998.
LCA5-related disorder. Also called: LCA5-related condition.

Allele frequency attached by ClinVar (database versions not stated): gnomAD exomes below 0.00001; ExAC 0.00001; gnomAD 0.00001; TOPMed 0.00006; ESP Exome Variant Server 0.00008.
gnomAD v4.1: 4 of 1,613,664 alleles (0.00025%); highest among the groups gnomAD compares: Admixed American, 0.0033%; no homozygotes.

Submissions (3):

PreventionGenetics, part of Exact Sciences
Classification: Likely benign for LCA5-related condition. Last evaluated: 2026-08-28. Review status: criteria provided, single submitter. Criteria: ACMG Guidelines, 2015. Collection method: clinical testing. Allele origin: germline.
Comment: This variant is classified as likely benign based on ACMG/AMP sequence variant interpretation guidelines (Richards et al. 2015 PMID: 25741868, with internal and published modifications).

Labcorp Genetics (formerly Invitae), Labcorp
Classification: Likely benign. Last evaluated: 2024-11-05. Review status: criteria provided, single submitter. Criteria: Invitae Variant Classification Sherloc (09022015). Collection method: clinical testing. Allele origin: germline.

Natera, Inc.
Classification: Uncertain significance for Leber congenital amaurosis. Last evaluated: 2020-08-15. Review status: no assertion criteria provided. Collection method: clinical testing. Allele origin: germline. Not counted in ClinVar's aggregate classification.